The following is an entry in ClinVar:

NM_000539.3(RHO):c.240C>G (p.Ala80=)

Gene: RHO (rhodopsin; plus strand). Cytogenetic location: 3q22.1.
Variant type: single nucleotide variant.
Coding change: c.240C>G on transcript NM_000539.3 (MANE Select); coding-DNA position 240, C replaced by G.
Protein change: p.Ala80=; no amino-acid change (alanine 80 retained).
Molecular consequence: synonymous variant.
Genome position (GRCh38, 1-based): chr3:129,528,973, C>G. VCF-style: chr3-129528973-C-G. GRCh37 (hg19) VCF-style: chr3-129247816-C-G.
Identifiers: ClinVar variation 1565902 (VCV001565902.10), dbSNP rs770941561, ClinGen allele CA2607094.
Genomic context (GRCh38, chr3:129,528,973, plus strand): 5'-CGTCACCGTCCAGCACAAGAAGCTGCGCACGCCTCTCAACTACATCCTGCTCAACCTAGC[C>G]GTGGCTGACCTCTTCATGGTCCTAGGTGGCTTCACCAGCACCCTCTACACCTCTCTGCAT-3'
Protein context (NP_000530.1, residues 70-90): TPLNYILLNL[Ala80=]VADLFMVLGG

ClinVar aggregate classification (germline): Likely benign. Review status: criteria provided, single submitter (1 of 4 stars). 2 submissions from 2 submitters: Likely benign (1). 1 of the submissions does not count toward it. Last evaluated 2023-08-14.

Conditions:
RHO-related disorder. Also called: RHO-related condition.

Allele frequency attached by ClinVar (database versions not stated): ExAC 0.00001.
gnomAD v4.1: 16 of 1,614,122 alleles (0.00099%); highest among the groups gnomAD compares: Admixed American, 0.0017%; no homozygotes.

Submissions (2):

Labcorp Genetics (formerly Invitae), Labcorp
Classification: Likely benign. Last evaluated: 2023-08-14. Review status: criteria provided, single submitter. Criteria: Invitae Variant Classification Sherloc (09022015). Collection method: clinical testing. Allele origin: germline.

PreventionGenetics, part of Exact Sciences
Classification: Likely benign for RHO-related condition. Last evaluated: 2019-08-07. Review status: no assertion criteria provided. Collection method: clinical testing. Allele origin: germline. Not counted in ClinVar's aggregate classification.
Comment: This variant is classified as likely benign based on ACMG/AMP sequence variant interpretation guidelines (Richards et al. 2015 PMID: 25741868, with internal and published modifications).